The following is an entry in ClinVar:

NM_015272.5(RPGRIP1L):c.1383A>C (p.Glu461Asp)

Gene: RPGRIP1L (RPGRIP1 like; minus strand). Cytogenetic location: 16q12.2.
Variant type: single nucleotide variant.
Coding change: c.1383A>C on transcript NM_015272.5 (MANE Select); coding-DNA position 1383, A replaced by C.
Protein change: p.Glu461Asp; replaces glutamic acid 461 with aspartic acid.
Molecular consequence: missense variant.
Genome position (GRCh38, 1-based): chr16:53,658,432, T>G on the plus strand (A>C on the coding strand, the complement: RPGRIP1L is on the minus strand). VCF-style: chr16-53658432-T-G. GRCh37 (hg19) VCF-style: chr16-53692344-T-G.
Other names: c.1383A>C, p.Glu461Asp (NM_001127897.4, NM_001308334.3, NM_001330538.2); short protein forms E461D.
Identifiers: ClinVar variation 2415169 (VCV002415169.8), dbSNP rs1218959399, ClinGen allele CA395919862.
Genomic context (GRCh38, chr16:53,658,432, plus strand): 5'-TGTATGCAGACATGAAAATCACGATGAAGTTCAGAACCTTACCTTTATAAGTAGGAGAGC[T>G]TCACTCAATTCATCAGCATTAATATCATTCTCCTGCAATAGATTAAGTAAAAGCTCACAA-3'
Protein context (NP_056087.2, residues 451-471): ENDINADELS[Glu461Asp]ALLLIKAQKE

ClinVar aggregate classification (germline): Uncertain significance (1 of 4 stars; one submission).

Conditions:
Joubert syndrome. Also called: CEREBELLOPARENCHYMAL DISORDER IV; JOUBERT-BOLTSHAUSER SYNDROME; Familial aplasia of the vermis. Identifiers: Orphanet 475, MedGen C5979921, MONDO:0018772.
Meckel-Gruber syndrome. Also called: DYSENCEPHALIA SPLANCHNOCYSTICA; GRUBER SYNDROME; Dysencephalia splachnocystica. Identifiers: Orphanet 564, MedGen C0265215, MONDO:0018921.

Allele frequency attached by ClinVar (database versions not stated): gnomAD exomes below 0.00001.
gnomAD v4.1: 1 of 1,611,510 alleles (0.000062%); highest among the groups gnomAD compares: Non-Finnish European, 0.000085%; no homozygotes.

Submission:

Labcorp Genetics (formerly Invitae), Labcorp
Classification: Uncertain significance for Joubert syndrome; Meckel-Gruber syndrome. Last evaluated: 2022-03-28. Review status: criteria provided, single submitter. Criteria: Invitae Variant Classification Sherloc (09022015). Collection method: clinical testing. Allele origin: germline.
Comment: In summary, the available evidence is currently insufficient to determine the role of this variant in disease. Therefore, it has been classified as a Variant of Uncertain Significance. Algorithms developed to predict the effect of missense changes on protein structure and function are either unavailable or do not agree on the potential impact of this missense change (SIFT: "Deleterious"; PolyPhen-2: "Benign"; Align-GVGD: "Class C35"). This variant has not been reported in the literature in individuals affected with RPGRIP1L-related conditions. This variant is present in population databases (no rsID available, gnomAD 0.0009%). This sequence change replaces glutamic acid, which is acidic and polar, with aspartic acid, which is acidic and polar, at codon 461 of the RPGRIP1L protein (p.Glu461Asp).